The following is an entry in ClinVar:

NM_032737.4(LMNB2):c.402C>T (p.Ser134=)

Gene: LMNB2 (lamin B2; minus strand). Cytogenetic location: 19p13.3.
Variant type: single nucleotide variant.
Coding change: c.402C>T on transcript NM_032737.4 (MANE Select); coding-DNA position 402, C replaced by T.
Protein change: p.Ser134=; no amino-acid change (serine 134 retained).
Molecular consequence: synonymous variant.
Genome position (GRCh38, 1-based): chr19:2,438,531, G>A on the plus strand (C>T on the coding strand, the complement: LMNB2 is on the minus strand). VCF-style: chr19-2438531-G-A. GRCh37 (hg19) VCF-style: chr19-2438529-G-A.
Other names: c.342C>T (NM_032737.2).
Identifiers: ClinVar variation 435780 (VCV000435780.62), dbSNP rs148213507, ClinGen allele CA9067897.

ClinVar aggregate classification (germline): Benign/Likely benign. Review status: criteria provided, multiple submitters, no conflicts (2 of 4 stars). 8 submissions from 8 submitters: Benign (1); Likely benign (6). 1 of the submissions does not count toward it. Last evaluated 2026-04-01.

Conditions:
LMNB2-related disorder. Also called: LMNB2-related condition.
Lipodystrophy, partial, acquired, susceptibility to (APLD). Also called: APLD, SUSCEPTIBILITY TO. Identifiers: MedGen C3887501, MONDO:0100476, OMIM 608709.
Progressive myoclonic epilepsy type 9. Identifiers: Orphanet 457265, MedGen C4225289, MONDO:0014685, OMIM 616540.

Allele frequency attached by ClinVar (database versions not stated): 1000 Genomes Project 0.00040; 1000 Genomes Project 30x 0.00047; ESP Exome Variant Server 0.00138; TOPMed 0.00139.
gnomAD v4.1: 3,269 of 1,607,628 alleles (0.2%); highest among the groups gnomAD compares: Non-Finnish European, 0.26%; no homozygotes.

Submissions (8):

CeGaT Center for Human Genetics Tuebingen
Classification: Likely benign. Last evaluated: 2026-04-01. Review status: criteria provided, single submitter. Criteria: CeGaT Center For Human Genetics Tuebingen Variant Classification Criteria Version 2. Collection method: clinical testing. Allele origin: germline. Affected: yes. Observed: 12 variant alleles.
Comment: LMNB2: BP4, BP7

Labcorp Genetics (formerly Invitae), Labcorp
Classification: Likely benign for Progressive myoclonic epilepsy type 9; Lipodystrophy, partial, acquired, susceptibility to. Last evaluated: 2025-12-21. Review status: criteria provided, single submitter. Criteria: Invitae Variant Classification Sherloc (09022015). Collection method: clinical testing. Allele origin: germline.

Athena Diagnostics
Classification: Benign. Last evaluated: 2025-01-23. Review status: criteria provided, single submitter. Criteria: Athena Diagnostics Criteria. Collection method: clinical testing. Allele origin: unknown.
Comment: The frequency of this variant in the general population is higher than would generally be expected for pathogenic variants in this gene. Computational tools yielded predictions that this variant is unlikely to have an effect on normal RNA splicing. This nucleotide position exhibits low evolutionary conservation.

Blueprint Genetics
Classification: Likely benign. Last evaluated: 2024-11-18. Review status: criteria provided, single submitter. Criteria: ACMG Guidelines, 2015. Collection method: clinical testing. Allele origin: germline.

Ambry Genetics
Classification: Likely benign. Last evaluated: 2023-10-14. Review status: criteria provided, single submitter. Criteria: Ambry Variant Classification Scheme 2023. Collection method: clinical testing. Allele origin: germline.

Genetic Services Laboratory, University of Chicago
Classification: Likely benign. Last evaluated: 2016-06-29. Review status: criteria provided, single submitter. Criteria: ACMG Guidelines, 2015. Collection method: clinical testing. Allele origin: germline. Affected: no.

Breakthrough Genomics
Classification: Likely benign. Review status: criteria provided, single submitter. Criteria: ACMG Guidelines, 2015. Collection method: not provided. Allele origin: germline. Inheritance: Autosomal recessive inheritance. Affected: yes.

PreventionGenetics, part of Exact Sciences
Classification: Likely benign for LMNB2-related condition. Last evaluated: 2023-03-20. Review status: no assertion criteria provided. Collection method: clinical testing. Allele origin: germline. Not counted in ClinVar's aggregate classification.
Comment: This variant is classified as likely benign based on ACMG/AMP sequence variant interpretation guidelines (Richards et al. 2015 PMID: 25741868, with internal and published modifications).